The following is an entry in ClinVar:

NM_015335.5(MED13L):c.2779_2782dup (p.Glu928fs)

Gene: MED13L (mediator complex subunit 13L; minus strand). Cytogenetic location: 12q24.21.
Variant type: Duplication.
Coding change: c.2779_2782dup on transcript NM_015335.5 (MANE Select); coding-DNA positions 2779 to 2782, 4 bases duplicated (GAGG; older notation c.2779_2782dupGAGG).
Protein change: p.Glu928fs; shifts the reading frame from glutamic acid 928.
Molecular consequence: frameshift variant.
Genome position (GRCh38, 1-based): chr12:115,997,018-115,997,021, CCTC duplicated on the plus strand (GAGG on the coding strand, the reverse complement: MED13L is on the minus strand). VCF-style (leftmost placement, unchanged base first): chr12-115997017-T-TCCTC. GRCh37 (hg19) VCF-style: chr12-116434822-T-TCCTC.
Other names: short protein forms E928fs.
Identifiers: ClinVar variation 3723867 (VCV003723867.2).

ClinVar aggregate classification (germline): Pathogenic (1 of 4 stars; one submission).

Conditions:
Dextro-looped transposition of the great arteries. Also called: Dextrotransposition of the great arteries. Identifiers: Orphanet 860, MedGen C3531771, MONDO:0019443, OMIM 608808, HP:0031348.

Submission:

Labcorp Genetics (formerly Invitae), Labcorp
Classification: Pathogenic for Dextro-looped transposition of the great arteries. Last evaluated: 2024-10-27. Review status: criteria provided, single submitter. Criteria: Invitae Variant Classification Sherloc (09022015). Collection method: clinical testing. Allele origin: germline.
Comment: This sequence change creates a premature translational stop signal (p.Glu928Glyfs*4) in the MED13L gene. It is expected to result in an absent or disrupted protein product. Loss-of-function variants in MED13L are known to be pathogenic (PMID: 25712080, 25758992). This variant is not present in population databases (gnomAD no frequency). This variant has not been reported in the literature in individuals affected with MED13L-related conditions. Algorithms developed to predict the effect of sequence changes on RNA splicing suggest that this variant may disrupt the consensus splice site. For these reasons, this variant has been classified as Pathogenic.

Literature cited by the submitters: PubMed 25712080; PubMed 25758992.